The following is an entry in ClinVar:

ClinVar aggregate classification (germline): Benign (0 of 4 stars; one submission).

Conditions:
KIFAP3-related disorder. Also called: KIFAP3-related condition.

Allele frequency attached by ClinVar (database versions not stated): gnomAD exomes 0.00031; gnomAD 0.00038; TOPMed 0.00040; ESP Exome Variant Server 0.00062; ExAC 0.00067.
gnomAD v4.1: 545 of 1,583,798 alleles (0.034%); highest among the groups gnomAD compares: Middle Eastern, 0.017%; 3 homozygotes.

Submission:

PreventionGenetics, part of Exact Sciences
Classification: Benign for KIFAP3-related condition. Last evaluated: 2019-07-10. Review status: no assertion criteria provided. Collection method: clinical testing. Allele origin: germline.
Comment: This variant is classified as benign based on ACMG/AMP sequence variant interpretation guidelines (Richards et al. 2015 PMID: 25741868, with internal and published modifications).

NM_014970.4(KIFAP3):c.1245C>T (p.Arg415=)

Gene: KIFAP3 (kinesin associated protein 3; minus strand). Cytogenetic location: 1q24.2.
Variant type: single nucleotide variant.
Coding change: c.1245C>T on transcript NM_014970.4 (MANE Select); coding-DNA position 1245, C replaced by T.
Protein change: p.Arg415=; no amino-acid change (arginine 415 retained).
Molecular consequence: synonymous variant.
Genome position (GRCh38, 1-based): chr1:169,992,194, G>A on the plus strand (C>T on the coding strand, the complement: KIFAP3 is on the minus strand). VCF-style: chr1-169992194-G-A. GRCh37 (hg19) VCF-style: chr1-169961335-G-A.
Other names: c.1011C>T, p.Arg337= (NM_001204514.2); c.1113C>T, p.Arg371= (NM_001204516.2); c.1125C>T, p.Arg375= (NM_001204517.2); c.1245C>T, p.Arg415= (NM_001375830.1, NM_001375831.1).
Identifiers: ClinVar variation 3050553 (VCV003050553.2), dbSNP rs149027544, ClinGen allele CA1238452.
Genomic context (GRCh38, chr1:169,992,194, plus strand): 5'-TAAAACACTTAAACCACTTACCTGTGGTATACAGTCAGTGTATGCAAACATTGATTTAAA[G>A]CGGTCATCCATGCTTATGTGGTAAAGAACACACATTGCTATTTGTTTGTAGTTGTCATTG-3'
Protein context (NP_055785.2, residues 405-425): CVLYHISMDD[Arg415=]FKSMFAYTDC